The following is an entry in ClinVar:

NM_001009944.3(PKD1):c.7816C>T (p.Gln2606Ter)

Gene: PKD1 (polycystin 1, transient receptor potential channel interacting; minus strand). Cytogenetic location: 16p13.3.
Variant type: single nucleotide variant.
Coding change: c.7816C>T on transcript NM_001009944.3 (MANE Select); coding-DNA position 7816, C replaced by T.
Protein change: p.Gln2606Ter; replaces glutamine 2606 with a stop codon.
Molecular consequence: nonsense.
Genome position (GRCh38, 1-based): chr16:2,105,912, G>A on the plus strand (C>T on the coding strand, the complement: PKD1 is on the minus strand). VCF-style: chr16-2105912-G-A. GRCh37 (hg19) VCF-style: chr16-2155913-G-A.
Other names: c.7816C>T, p.Gln2606Ter (NM_000296.4); c.7816C>T (NM_001009944.2); short protein forms Q2606*.
Identifiers: ClinVar variation 974503 (VCV000974503.6), dbSNP rs2092321142, ClinGen allele CA394367771.

ClinVar aggregate classification (germline): Pathogenic. Review status: criteria provided, multiple submitters, no conflicts (2 of 4 stars). 6 submissions from 6 submitters: Pathogenic (6). Last evaluated 2025-08-13.

Conditions:
Polycystic kidney disease, adult type (PKD1). Also called: Polycystic Kidney, Autosomal Dominant; Polycystic Kidney Disease 1, Autosomal Dominant; Polycystic kidney disease 1; Polycystic kidney disease 1, severe; POLYCYSTIC KIDNEY DISEASE 1 WITH OR WITHOUT POLYCYSTIC LIVER DISEASE; POLYCYSTIC KIDNEY DISEASE, ADULT, TYPE I. Identifiers: MedGen C3149841, MONDO:0008263, OMIM 173900.
PKD1-related disorder. Also called: PKD1-related condition.

Submissions (6):

PreventionGenetics, part of Exact Sciences
Classification: Pathogenic for PKD1-related condition. Last evaluated: 2025-08-13. Review status: criteria provided, single submitter. Criteria: ACMG Guidelines, 2015. Collection method: clinical testing. Allele origin: germline.
Comment: The PKD1 c.7816C>T variant is predicted to result in premature protein termination (p.Gln2606*). This variant has been reported in individual(s) with polycystic kidney disease (see for example, Suppl Table 2. Domingo-Gallego et al. 2022. PubMed ID: 33532864). This variant has not been reported in a large population database (gnomAD), indicating this variant is rare. Nonsense variants in PKD1 are expected to be pathogenic. This variant is interpreted as pathogenic.

Laboratory of Genetics, Children's Clinical University Hospital Latvia
Classification: Pathogenic. Last evaluated: 2025-02-16. Review status: criteria provided, single submitter. Criteria: ACMG Guidelines, 2015. Collection method: clinical testing. Allele origin: germline. Affected: yes.

Blueprint Genetics
Classification: Pathogenic for PKD1-related disorders. Last evaluated: 2023-11-15. Review status: criteria provided, single submitter. Criteria: ACMG Guidelines, 2015. Collection method: clinical testing. Allele origin: germline. Affected: yes. Observed: 1 variant allele.

GeneDx
Classification: Pathogenic. Last evaluated: 2022-12-05. Review status: criteria provided, single submitter. Criteria: GeneDx Variant Classification Process June 2021. Collection method: clinical testing. Allele origin: germline. Affected: yes.
Comment: Nonsense variant predicted to result in protein truncation or nonsense mediated decay in a gene for which loss of function is a known mechanism of disease; Not observed at significant frequency in large population cohorts (gnomAD); This variant is associated with the following publications: (PMID: 31740684, 26150605, 33532864)

Victorian Clinical Genetics Services, Murdoch Childrens Research Institute
Classification: Pathogenic for Polycystic kidney disease, adult type. Last evaluated: 2021-05-06. Review status: criteria provided, single submitter. Criteria: ACMG Guidelines, 2015. Collection method: clinical testing. Allele origin: germline. Inheritance: Autosomal dominant inheritance. Affected: yes.
Comment: Based on the classification scheme VCGS_Germline_v1.3.4, this variant is classified as Pathogenic. Following criteria are met: 0102 - Loss of function is a known mechanism of disease in this gene and is associated with polycystic kidney disease (MIM#173900). (I) 0107 - This gene is associated with autosomal dominant disease. Polycystic kidney disease 1 (MIM#173900) is predominantly caused by monoallelic variants, with rare reports of biallelic variants causing disease (OMIM). (I) 0201 - Variant is predicted to cause nonsense-mediated decay (NMD) and loss of protein (premature termination codon is located at least 54 nucleotides upstream of the final exon-exon junction). (SP) 0251 - This variant is heterozygous. (I) 0301 - Variant is absent from gnomAD (both v2 and v3). (SP) 0701 - Other NMD-predicted variants comparable to the one identified in this case have very strong previous evidence for pathogenicity (ClinVar). (SP) 0802 - This variant has moderate previous evidence of pathogenicity in unrelated individuals. It has been reported in at least three autosomal dominant polycystic kidney disease patients (PMID: 31740684, 33532864). (SP) 0905 - No published segregation evidence has been identified for this variant. (I) 1007 - No published functional evidence has been identified for this variant. (I) 1208 - Inheritance information for this variant is not currently available in this individual. (I) Legend: (SP) - Supporting pathogenic, (I) - Information, (SB) - Supporting benign

Molecular Biology Laboratory, Fundació Puigvert
Classification: Pathogenic for Polycystic kidney disease, adult type. Last evaluated: 2020-02-01. Review status: criteria provided, single submitter. Criteria: ACMG Guidelines, 2015. Collection method: research. Allele origin: germline. Affected: yes. Study: KidneyPanel_2020.

Literature cited by the submitters: PubMed 31740684 (cited by Victorian Clinical Genetics Services, Murdoch Childrens Research Institute); PubMed 33532864 (cited by Victorian Clinical Genetics Services, Murdoch Childrens Research Institute and Molecular Biology Laboratory, Fundació Puigvert).